The following is an entry in ClinVar:

ClinVar aggregate classification (germline): Uncertain significance (1 of 4 stars; one submission).

Conditions:
Pityriasis rubra pilaris (PRP). Also called: Pityriasis rubra pilaris--familial type. Identifiers: Orphanet 2897, MedGen C0032027, MONDO:0100017, OMIM 173200, MONDO:0008251.
Psoriasis 2. Identifiers: MedGen C1864497, MONDO:0011269, OMIM 602723.

Allele frequency attached by ClinVar (database versions not stated): gnomAD exomes below 0.00001; TOPMed below 0.00001; ExAC 0.00001.

Submission:

Labcorp Genetics (formerly Invitae), Labcorp
Classification: Uncertain significance for Pityriasis rubra pilaris; Psoriasis 2. Last evaluated: 2019-02-18. Review status: criteria provided, single submitter. Criteria: Invitae Variant Classification Sherloc (09022015). Collection method: clinical testing. Allele origin: germline.
Comment: In summary, the available evidence is currently insufficient to determine the role of this variant in disease. Therefore, it has been classified as a Variant of Uncertain Significance. The current clinical and genetic evidence is not sufficient to establish whether loss-of-function variants in CARD14 cause disease. This variant has not been reported in the literature in individuals with CARD14-related conditions. The frequency data for this variant in the population databases is considered unreliable, as metrics indicate poor data quality at this position in the ExAC database. This sequence change creates a premature translational stop signal (p.Leu456Valfs*61) in the CARD14 gene. It is expected to result in an absent or disrupted protein product.

NM_001366385.1(CARD14):c.1366_1367del (p.Leu456fs)

Gene: CARD14 (caspase recruitment domain family member 14; plus strand). Cytogenetic location: 17q25.3.
Variant type: Deletion.
Coding change: c.1366_1367del on transcript NM_001366385.1 (MANE Select); coding-DNA positions 1366 to 1367, 2 bases deleted (TT; older notation c.1366_1367delTT).
Protein change: p.Leu456fs; shifts the reading frame from leucine 456.
Molecular consequence: frameshift variant. On other transcripts: non-coding transcript variant (1).
Genome position (GRCh38, 1-based): chr17:80,195,200-80,195,201, TT deleted. VCF-style (leftmost placement, unchanged base first): chr17-80195199-CTT-C. GRCh37 (hg19) VCF-style: chr17-78168998-CTT-C.
Other names: c.1366_1367del, p.Leu456fs (NM_001257970.1, NM_024110.4); c.655_656del, p.Leu219fs (NM_052819.3); short protein forms L456fs, L219fs.
Identifiers: ClinVar variation 840045 (VCV000840045.8), dbSNP rs758784694, ClinGen allele CA8816802.
Genomic context (GRCh38, chr17:80,195,199, plus strand): 5'-TCTCAGGGTGTCCTCGTGCGTGCCCCACTGACTTCTGCCCTCCCTCCTCCAGTCTCAGCT[CTT>C]GTCGGACCTGAGTGCCACGTCCAGCCGCGAGCTGGTGGACAGCTTCCGCTCCAGCAGCCC-3'